The following is an entry in ClinVar:

ClinVar aggregate classification (germline): Pathogenic (1 of 4 stars; one submission).

Conditions:
COG5-congenital disorder of glycosylation. Also called: COG5-CDG; CONGENITAL DISORDER OF GLYCOSYLATION, TYPE IIi; CDG IIi. Identifiers: Orphanet 263487, MedGen C3150876, MONDO:0013325, OMIM 613612.

Submission:

Labcorp Genetics (formerly Invitae), Labcorp
Classification: Pathogenic for COG5-congenital disorder of glycosylation. Last evaluated: 2021-12-02. Review status: criteria provided, single submitter. Criteria: Invitae Variant Classification Sherloc (09022015). Collection method: clinical testing. Allele origin: germline.
Comment: For these reasons, this variant has been classified as Pathogenic. This variant has not been reported in the literature in individuals affected with COG5-related conditions. This variant is a gross deletion of the genomic region encompassing exon(s) 9-16 of the COG5 gene. This deletion is out-of-frame, and is expected to create a premature termination codon and result in an absent or disrupted protein product. Loss-of-function variants in COG5 are known to be pathogenic (PMID: 23228021).

Literature cited by the submitters: PubMed 23228021.

NC_000007.13:g.(?_106897157)_(107002885_?)del

Gene: COG5 (component of oligomeric golgi complex 5; minus strand). Cytogenetic location: 7q22.3.
Variant type: Deletion.
Identifiers: ClinVar variation 1450443 (VCV001450443.7).